The following is an entry in ClinVar:

ClinVar aggregate classification (germline): Uncertain significance (1 of 4 stars; one submission).

Conditions:
Inborn genetic diseases. Identifiers: MedGen C0950123, MeSH D030342.

Allele frequency attached by ClinVar (database versions not stated): gnomAD exomes below 0.00001.
gnomAD v4.1: 1 of 1,613,312 alleles (0.000062%); highest among the groups gnomAD compares: Non-Finnish European, 0.000085%; no homozygotes.

Submission:

Ambry Genetics
Classification: Uncertain significance for Inborn genetic diseases. Last evaluated: 2024-01-31. Review status: criteria provided, single submitter. Criteria: Ambry Variant Classification Scheme 2023. Collection method: clinical testing. Allele origin: germline.
Comment: The p.V1143I variant (also known as c.3427G>A), located in coding exon 17 of the ATR gene, results from a G to A substitution at nucleotide position 3427. The valine at codon 1143 is replaced by isoleucine, an amino acid with highly similar properties. This amino acid position is conserved. In addition, this alteration is predicted to be tolerated by in silico analysis. Since supporting evidence is limited at this time, the clinical significance of this alteration remains unclear.

NM_001184.4(ATR):c.3427G>A (p.Val1143Ile)

Gene: ATR (ATR checkpoint kinase; minus strand). Cytogenetic location: 3q23.
Variant type: single nucleotide variant.
Coding change: c.3427G>A on transcript NM_001184.4 (MANE Select); coding-DNA position 3427, G replaced by A.
Protein change: p.Val1143Ile; replaces valine 1143 with isoleucine.
Molecular consequence: missense variant.
Genome position (GRCh38, 1-based): chr3:142,542,688, C>T on the plus strand (G>A on the coding strand, the complement: ATR is on the minus strand). VCF-style: chr3-142542688-C-T. GRCh37 (hg19) VCF-style: chr3-142261530-C-T.
Other names: c.3235G>A, p.Val1079Ile (NM_001354579.2); short protein forms V1079I, V1143I.
Identifiers: ClinVar variation 1731317 (VCV001731317.2), dbSNP rs2473335850, ClinGen allele CA354809192.
Genomic context (GRCh38, chr3:142,542,688, plus strand): 5'-AATTCTATCTTAGCACTCTGGAACTATCACCACTTACCATTTTCTTATCTTCAATGCCAA[C>T]ACTAGAGCTCAGTAACTGCATGTTAAAAAAAGCCAAAATGCCCAACAATTTGGGTTGTAA-3'
Protein context (NP_001175.2, residues 1133-1153): FFNMQLLSSS[Val1143Ile]GIEDKKMALN